The following is an entry in ClinVar:

NM_018303.6(EXOC2):c.2396T>G (p.Leu799Ter)

Gene: EXOC2 (exocyst complex component 2; minus strand). Cytogenetic location: 6p25.3.
Variant type: single nucleotide variant.
Coding change: c.2396T>G on transcript NM_018303.6 (MANE Select); coding-DNA position 2396, T replaced by G.
Protein change: p.Leu799Ter; replaces leucine 799 with a stop codon.
Molecular consequence: nonsense. On other transcripts: non-coding transcript variant (1).
Genome position (GRCh38, 1-based): chr6:499,685, A>C on the plus strand (T>G on the coding strand, the complement: EXOC2 is on the minus strand). VCF-style: chr6-499685-A-C. GRCh37 (hg19) VCF-style: chr6-499685-A-C.
Other names: short protein forms L799*.
Identifiers: ClinVar variation 4847912 (VCV004847912.1).

ClinVar aggregate classification (germline): Uncertain significance (1 of 4 stars; one submission).

gnomAD v4.1: 76 of 1,613,604 alleles (0.0047%); highest among the groups gnomAD compares: Non-Finnish European, 0.0061%; no homozygotes.

Submission:

Women's Health and Genetics/Laboratory Corporation of America, LabCorp
Classification: Uncertain significance. Last evaluated: 2026-02-11. Review status: criteria provided, single submitter. Criteria: LabCorp Variant Classification Summary - May 2015. Collection method: clinical testing. Allele origin: germline.
Comment: Variant summary: EXOC2 c.2396T>G (p.Leu799X) results in a premature termination codon, predicted to cause a truncation of the encoded protein or absence of the protein due to nonsense mediated decay, however current evidence is not sufficient to establish loss of function as a mechanism for disease. The variant allele was found at a frequency of 2.4e-05 in 251300 control chromosomes. The available data on variant occurrences in the general population are insufficient to allow any conclusion about variant significance. To our knowledge, no occurrence of c.2396T>G in individuals affected with EXOC2-related conditions and no experimental evidence demonstrating its impact on protein function have been reported. No submitters have cited clinical-significance assessments for this variant to ClinVar. Based on the evidence outlined above, the variant was classified as uncertain significance.